The following is an entry in ClinVar:

NM_006379.5(SEMA3C):c.1279_1281del (p.Tyr427del)

Gene: SEMA3C (semaphorin 3C; minus strand). Cytogenetic location: 7q21.11.
Variant type: Deletion.
Coding change: c.1279_1281del on transcript NM_006379.5 (MANE Select); coding-DNA positions 1279 to 1281, 3 bases deleted (TAC; older notation c.1279_1281delTAC).
Protein change: p.Tyr427del; deletes tyrosine 427.
Molecular consequence: inframe deletion.
Genome position (GRCh38, 1-based): chr7:80,789,379-80,789,381, GTA deleted on the plus strand (TAC on the coding strand, the reverse complement: SEMA3C is on the minus strand); deleting any 3 consecutive bases within chr7:80,789,379-80,789,383 gives the same sequence; the c. name uses the placement nearest the transcript's 3' end. VCF-style (leftmost placement, unchanged base first): chr7-80789378-TGTA-T. GRCh37 (hg19) VCF-style: chr7-80418694-TGTA-T.
Other names: c.1333_1335del, p.Tyr445del (NM_001350120.2); c.1105_1107del, p.Tyr369del (NM_001350121.2); short protein forms Y369del, Y427del, Y445del.
Identifiers: ClinVar variation 3350995 (VCV003350995.2).

ClinVar aggregate classification (germline): Uncertain significance (1 of 4 stars; one submission).

Conditions:
SEMA3C-related disorder. Also called: SEMA3C-related condition.

Submission:

PreventionGenetics, part of Exact Sciences
Classification: Uncertain significance for SEMA3C-related condition. Last evaluated: 2026-08-24. Review status: criteria provided, single submitter. Criteria: ACMG Guidelines, 2015. Collection method: clinical testing. Allele origin: germline.
Comment: The SEMA3C c.1333_1335delTAC variant is predicted to result in an in-frame deletion (p.Tyr445del). To our knowledge, this variant has not been reported in the literature. This variant is reported in 0.036% of alleles in individuals of African descent in gnomAD. At this time, the clinical significance of this variant is uncertain due to the absence of conclusive functional and genetic evidence.